The following is an entry in ClinVar:

ClinVar aggregate classification (germline): Uncertain significance (1 of 4 stars; one submission).

Submission:

GeneDx
Classification: Uncertain significance. Last evaluated: 2025-06-12. Review status: criteria provided, single submitter. Criteria: GeneDx Variant Classification Process June 2021. Collection method: clinical testing. Allele origin: germline. Affected: yes.
Comment: Not observed at significant frequency in large population cohorts (gnomAD); In silico analysis supports that this missense variant has a deleterious effect on protein structure/function; Has not been previously published as pathogenic or benign to our knowledge

NM_000384.3(APOB):c.3653A>C (p.Gln1218Pro)

Gene: APOB (apolipoprotein B; minus strand). Cytogenetic location: 2p24.1.
Variant type: single nucleotide variant.
Coding change: c.3653A>C on transcript NM_000384.3 (MANE Select); coding-DNA position 3653, A replaced by C.
Protein change: p.Gln1218Pro; replaces glutamine 1218 with proline.
Molecular consequence: missense variant.
Genome position (GRCh38, 1-based): chr2:21,015,116, T>G on the plus strand (A>C on the coding strand, the complement: APOB is on the minus strand). VCF-style: chr2-21015116-T-G. GRCh37 (hg19) VCF-style: chr2-21237988-T-G.
Other names: short protein forms Q1218P.
Identifiers: ClinVar variation 4537766 (VCV004537766.1).